The following is an entry in ClinVar:

NM_000416.3(IFNGR1):c.518A>G (p.Asn173Ser)

Gene: IFNGR1 (interferon gamma receptor 1; minus strand). Cytogenetic location: 6q23.3.
Variant type: single nucleotide variant.
Coding change: c.518A>G on transcript NM_000416.3 (MANE Select); coding-DNA position 518, A replaced by G.
Protein change: p.Asn173Ser; replaces asparagine 173 with serine.
Molecular consequence: missense variant.
Genome position (GRCh38, 1-based): chr6:137,204,360, T>C on the plus strand (A>G on the coding strand, the complement: IFNGR1 is on the minus strand). VCF-style: chr6-137204360-T-C. GRCh37 (hg19) VCF-style: chr6-137525497-T-C.
Other names: c.488A>G, p.Asn163Ser (NM_001363526.1); c.395A>G, p.Asn132Ser (NM_001363527.1); short protein forms N132S, N163S, N173S.
Identifiers: ClinVar variation 2163725 (VCV002163725.5), dbSNP rs746704913, ClinGen allele CA4018960.

ClinVar aggregate classification (germline): Uncertain significance. Review status: criteria provided, multiple submitters, no conflicts (2 of 4 stars). 2 submissions from 2 submitters: Uncertain significance (2). Last evaluated 2025-03-14.

Conditions:
Disseminated atypical mycobacterial infection. Identifiers: MedGen C0694566.

Allele frequency attached by ClinVar (database versions not stated): gnomAD 0.00001; gnomAD exomes 0.00001; TOPMed 0.00002; ExAC 0.00004.
gnomAD v4.1: 19 of 1,613,832 alleles (0.0012%); highest among the groups gnomAD compares: Admixed American, 0.018%; no homozygotes.

Submissions (2):

Labcorp Genetics (formerly Invitae), Labcorp
Classification: Uncertain significance for Disseminated atypical mycobacterial infection. Last evaluated: 2025-03-14. Review status: criteria provided, single submitter. Criteria: Invitae Variant Classification Sherloc (09022015). Collection method: clinical testing. Allele origin: germline.
Comment: This sequence change replaces asparagine, which is neutral and polar, with serine, which is neutral and polar, at codon 173 of the IFNGR1 protein (p.Asn173Ser). This variant is present in population databases (rs746704913, gnomAD 0.02%). This variant has not been reported in the literature in individuals affected with IFNGR1-related conditions. ClinVar contains an entry for this variant (Variation ID: 2163725). Invitae Evidence Modeling of protein sequence and biophysical properties (such as structural, functional, and spatial information, amino acid conservation, physicochemical variation, residue mobility, and thermodynamic stability) indicates that this missense variant is not expected to disrupt IFNGR1 protein function with a negative predictive value of 80%. In summary, the available evidence is currently insufficient to determine the role of this variant in disease. Therefore, it has been classified as a Variant of Uncertain Significance.

Blueprint Genetics
Classification: Uncertain significance. Last evaluated: 2018-12-03. Review status: criteria provided, single submitter. Criteria: ACMG Guidelines, 2015. Collection method: clinical testing. Allele origin: germline.